The following is an entry in ClinVar:

NM_004380.3(CREBBP):c.4991G>T (p.Arg1664Leu)

Gene: CREBBP (CREB binding lysine acetyltransferase; minus strand). Cytogenetic location: 16p13.3.
Variant type: single nucleotide variant.
Coding change: c.4991G>T on transcript NM_004380.3 (MANE Select); coding-DNA position 4991, G replaced by T.
Protein change: p.Arg1664Leu; replaces arginine 1664 with leucine.
Molecular consequence: missense variant.
Genome position (GRCh38, 1-based): chr16:3,731,373, C>A on the plus strand (G>T on the coding strand, the complement: CREBBP is on the minus strand). VCF-style: chr16-3731373-C-A. GRCh37 (hg19) VCF-style: chr16-3781374-C-A.
Other names: c.4877G>T, p.Arg1626Leu (NM_001079846.1); short protein forms R1626L, R1664L.
Identifiers: ClinVar variation 1342894 (VCV001342894.1), dbSNP rs1596791996, ClinGen allele CA394558743.

ClinVar aggregate classification (germline): Likely pathogenic (1 of 4 stars; one submission).

Conditions:
Rubinstein-Taybi syndrome due to CREBBP mutations (RSTS1). Also called: RUBINSTEIN-TAYBI SYNDROME 1, INCOMPLETE; Rubinstein-Taybi syndrome 1; BROAD THUMBS AND GREAT TOES, CHARACTERISTIC FACIES, AND IMPAIRED INTELLECTUAL DEVELOPMENT; CREBBP-Related Rubinstein-Taybi Syndrome; BROAD THUMB-HALLUX SYNDROME; RUBINSTEIN SYNDROME. Identifiers: Orphanet 353277, Orphanet 783, MedGen C4551859, MONDO:0008393, OMIM 180849.

Submission:

Institute of Human Genetics, University of Leipzig Medical Center
Classification: Likely pathogenic for Rubinstein-Taybi syndrome due to CREBBP mutations. Last evaluated: 2022-02-01. Review status: criteria provided, single submitter. Criteria: ACMG Guidelines, 2015. Collection method: clinical testing. Allele origin: de novo. Affected: yes.
Comment: This variant was identified as de novo (maternity and paternity confirmed)._x000D_ Criteria applied: PM5_STR, PS2_SUP, PM2_SUP, PP2, PP3